The following is an entry in ClinVar:

ClinVar aggregate classification (germline): Uncertain significance (1 of 4 stars; one submission).

Conditions:
Long QT syndrome (LQTS). Identifiers: MedGen C0023976, MeSH D008133, MONDO:0002442. Disease mechanism: loss of function. Inheritance: Various modes of inheritance.

Submission:

Labcorp Genetics (formerly Invitae), Labcorp
Classification: Uncertain significance for Long QT syndrome. Last evaluated: 2023-03-29. Review status: criteria provided, single submitter. Criteria: Invitae Variant Classification Sherloc (09022015). Collection method: clinical testing. Allele origin: germline.
Comment: In summary, the available evidence is currently insufficient to determine the role of this variant in disease. Therefore, it has been classified as a Variant of Uncertain Significance. Experimental studies and prediction algorithms are not available or were not evaluated, and the functional significance of this variant is currently unknown. This variant has not been reported in the literature in individuals affected with KCNH2-related conditions. Information on the frequency of this variant in the gnomAD database is not available, as this variant may be reported differently in the database. This sequence change replaces arginine, which is basic and polar, with serine, which is neutral and polar, at codon 887 of the KCNH2 protein (p.Arg887Ser).

NM_000238.4(KCNH2):c.2658_2659delinsAA (p.Arg887Ser)

Gene: KCNH2 (potassium voltage-gated channel subfamily H member 2; minus strand). Cytogenetic location: 7q36.1.
Variant type: Indel.
Coding change: c.2658_2659delinsAA on transcript NM_000238.4 (MANE Select); coding-DNA positions 2658 to 2659, GC replaced by AA.
Protein change: p.Arg887Ser; replaces arginine 887 with serine.
Molecular consequence: missense variant. On other transcripts: non-coding transcript variant (2).
Genome position (GRCh38, 1-based): chr7:150,948,477-150,948,478, GC replaced by TT on the plus strand (GC replaced by AA on the coding strand, the reverse complement: KCNH2 is on the minus strand). VCF-style: chr7-150948477-GC-TT. GRCh37 (hg19) VCF-style: chr7-150645565-GC-TT.
Other names: c.2370_2371delinsAA, p.Arg791Ser (NM_001406753.1); c.1638_1639delinsAA, p.Arg547Ser (NM_172057.3); short protein forms R547S, R887S, R791S.
Identifiers: ClinVar variation 2825640 (VCV002825640.3), dbSNP rs2486012318, ClinGen allele CA2739278690.